The following is an entry in ClinVar:

ClinVar aggregate classification (germline): Uncertain significance. Review status: criteria provided, multiple submitters, no conflicts (2 of 4 stars). 2 submissions from 2 submitters: Uncertain significance (2). Last evaluated 2025-01-06.

Conditions:
Inborn genetic diseases. Identifiers: MedGen C0950123, MeSH D030342.
Frasier syndrome. Identifiers: Orphanet 347, MedGen C0950122, MeSH D052159, MONDO:0007635, OMIM 136680.
Wilms tumor 1 (WT1). Also called: Wilms tumor, somatic. Identifiers: Orphanet 654, MedGen CN033288, MONDO:0008679, OMIM 194070.
11p partial monosomy syndrome (WAGR). Also called: WAGR Complex; WAGR Spectrum Disorder; CHROMOSOME 11p13 DELETION SYNDROME; WAGR syndrome. Identifiers: Orphanet 893, MedGen C0206115, MONDO:0008681, OMIM 194072.
Drash syndrome (DDS). Also called: WILMS TUMOR AND PSEUDO- OR TRUE HERMAPHRODITISM; NEPHROPATHY, WILMS TUMOR, AND GENITAL ANOMALIES. Identifiers: Orphanet 220, MedGen C0950121, MONDO:0008682, OMIM 194080.

Allele frequency attached by ClinVar (database versions not stated): gnomAD exomes 0.00001; ExAC 0.00009.
gnomAD v4.1: 9 of 1,535,670 alleles (0.00059%); highest among the groups gnomAD compares: South Asian, 0.0036%; no homozygotes.

Submissions (2):

Labcorp Genetics (formerly Invitae), Labcorp
Classification: Uncertain significance for Wilms tumor 1; Drash syndrome; 11p partial monosomy syndrome; Frasier syndrome. Last evaluated: 2025-01-06. Review status: criteria provided, single submitter. Criteria: Invitae Variant Classification Sherloc (09022015). Collection method: clinical testing. Allele origin: germline.
Comment: This sequence change replaces proline, which is neutral and non-polar, with leucine, which is neutral and non-polar, at codon 36 of the WT1 protein (p.Pro36Leu). The frequency data for this variant in the population databases is considered unreliable, as metrics indicate poor data quality at this position in the gnomAD database. This variant has not been reported in the literature in individuals affected with WT1-related conditions. ClinVar contains an entry for this variant (Variation ID: 850377). Invitae Evidence Modeling of protein sequence and biophysical properties (such as structural, functional, and spatial information, amino acid conservation, physicochemical variation, residue mobility, and thermodynamic stability) has been performed for this missense variant. However, the output from this modeling did not meet the statistical confidence thresholds required to predict the impact of this variant on WT1 protein function. In summary, the available evidence is currently insufficient to determine the role of this variant in disease. Therefore, it has been classified as a Variant of Uncertain Significance.

Ambry Genetics
Classification: Uncertain significance for Inborn genetic diseases. Last evaluated: 2024-12-02. Review status: criteria provided, single submitter. Criteria: Ambry Variant Classification Scheme 2023. Collection method: clinical testing. Allele origin: germline.
Comment: The p.P36L variant (also known as c.107C>T), located in coding exon 1 of the WT1 gene, results from a C to T substitution at nucleotide position 107. The proline at codon 36 is replaced by leucine, an amino acid with similar properties. This amino acid position is conserved. In addition, this alteration is predicted to be tolerated by in silico analysis. Based on the available evidence, the clinical significance of this variant remains unclear.

NM_024426.6(WT1):c.122C>T (p.Pro41Leu)

Genes: WT1 (WT1 transcription factor; minus strand), LOC107982234 (WT1/WT1-AS bi-directional promoter region; plus strand). Cytogenetic location: 11p13.
Variant type: single nucleotide variant.
Coding change: c.122C>T on transcript NM_024426.6 (MANE Select); coding-DNA position 122, C replaced by T.
Protein change: p.Pro41Leu; replaces proline 41 with leucine.
Molecular consequence: missense variant. On other transcripts: non-coding transcript variant (1).
Genome position (GRCh38, 1-based): chr11:32,435,239, G>A on the plus strand (C>T on the coding strand, the complement: WT1 is on the minus strand). VCF-style: chr11-32435239-G-A. GRCh37 (hg19) VCF-style: chr11-32456785-G-A.
Other names: c.122C>T, p.Pro41Leu (NM_000378.6, NM_024424.5); short protein forms P41L.
Identifiers: ClinVar variation 850377 (VCV000850377.11), dbSNP rs773550149, ClinGen allele CA064128.
Genomic context (GRCh38, chr11:32,435,239, plus strand): 5'-CGGCCCTGGAGACGTTCAGCGCTGGCCTCGGCGGCGCCTAACTTGGCCCAGATGCCGCCC[G>A]GGTCCCGGACTCCCTGCTGCTCTGGCTGCTGTAGGCACCCAGGCCCGGAGCGGAGCGTGT-3'
Protein context (NP_077744.4, residues 31-51): QQPEQQGVRD[Pro41Leu]GGIWAKLGAA